The following is an entry in ClinVar:

NM_002202.3(ISL1):c.437C>G (p.Pro146Arg)

Gene: ISL1 (ISL LIM homeobox 1; plus strand). Cytogenetic location: 5q11.1.
Variant type: single nucleotide variant.
Coding change: c.437C>G on transcript NM_002202.3 (MANE Select); coding-DNA position 437, C replaced by G.
Protein change: p.Pro146Arg; replaces proline 146 with arginine.
Molecular consequence: missense variant.
Genome position (GRCh38, 1-based): chr5:51,387,708, C>G. VCF-style: chr5-51387708-C-G. GRCh37 (hg19) VCF-style: chr5-50683542-C-G.
Other names: short protein forms P146R.
Identifiers: ClinVar variation 4980933 (VCV004980933.1).

ClinVar aggregate classification (germline): Uncertain significance (1 of 4 stars; one submission).

Conditions:
ISL1-related disorder. Also called: ISL1-related condition.

gnomAD v4.1: 10 of 1,614,062 alleles (0.00062%); highest among the groups gnomAD compares: African/African-American, 0.013%; no homozygotes.

Submission:

PreventionGenetics, part of Exact Sciences
Classification: Uncertain significance for ISL1-related condition. Last evaluated: 2025-06-16. Review status: criteria provided, single submitter. Criteria: ACMG Guidelines, 2015. Collection method: clinical testing. Allele origin: germline.
Comment: The ISL1 c.437C>G variant is predicted to result in the amino acid substitution p.Pro146Arg. To our knowledge, this variant has not been reported in the literature. This variant is reported in 0.017% of alleles in individuals of African descent in gnomAD. At this time, the clinical significance of this variant is uncertain due to the absence of conclusive functional and genetic evidence.